The following is an entry in ClinVar:

NM_002473.6(MYH9):c.3493C>T (p.Arg1165Cys)

Gene: MYH9 (myosin heavy chain 9; minus strand). Cytogenetic location: 22q12.3.
Variant type: single nucleotide variant.
Coding change: c.3493C>T on transcript NM_002473.6 (MANE Select); coding-DNA position 3493, C replaced by T.
Protein change: p.Arg1165Cys; replaces arginine 1165 with cysteine.
Molecular consequence: missense variant.
Genome position (GRCh38, 1-based): chr22:36,295,069, G>A on the plus strand (C>T on the coding strand, the complement: MYH9 is on the minus strand). VCF-style: chr22-36295069-G-A. GRCh37 (hg19) VCF-style: chr22-36691115-G-A.
Other names: short protein forms R1165C.
Identifiers: ClinVar variation 14074 (VCV000014074.76), dbSNP rs80338829, ClinGen allele CA257087.

ClinVar aggregate classification (germline): Pathogenic. Review status: criteria provided, multiple submitters, no conflicts (2 of 4 stars). 22 submissions from 22 submitters: Pathogenic (17). 5 of the submissions do not count toward it. Last evaluated 2026-01-09.

Conditions:
MYH9-related disorder. Identifiers: MedGen C1854520.
Bleeding and platelet disorders.
Inborn genetic diseases. Identifiers: MedGen C0950123, MeSH D030342.
Autosomal dominant nonsyndromic hearing loss 17. Also called: Deafness, autosomal dominant 17; Autosomal dominant nonsyndromic deafness 17. Identifiers: Orphanet 90635, MedGen C1863659, MONDO:0011350, OMIM 603622.
Macrothrombocytopenia and granulocyte inclusions with or without nephritis or sensorineural hearing loss (MATINS). Also called: MAY-HEGGLIN ANOMALY; MACROTHROMBOCYTOPENIA WITH LEUKOCYTE INCLUSIONS; BLEEDING DISORDER, PLATELET-TYPE, 6; DOHLE LEUKOCYTE INCLUSIONS WITH GIANT PLATELETS; SEBASTIAN PLATELET SYNDROME; MACROTHROMBOCYTOPENIA WITH DISPERSED LEUKOCYTIC INCLUSIONS. Identifiers: Orphanet 182050, MedGen C5200934, MONDO:0015912, OMIM 155100.
Thrombocytopenia. Identifiers: MedGen C0040034, MeSH D013921, MONDO:0002049, HP:0001873.
Abnormal bleeding. Also called: Bleeding diathesis. Identifiers: MedGen C1458140, HP:0001892.

Submissions 1 to 8 of 22:

North West Genomic Laboratory Hub, Manchester University NHS Foundation Trust
Classification: Pathogenic for Bleeding and platelet disorders. Last evaluated: 2026-01-09. Review status: criteria provided, single submitter. Criteria: ACGS Best Practice Guidelines for Variant Classification in Rare Disease 2024. Collection method: clinical testing. Allele origin: germline. Affected: yes.
Comment: PP3_Supp PS3_Supp PM2_Mod PS4_Mod PP1_Str

Labcorp Genetics (formerly Invitae), Labcorp
Classification: Pathogenic. Last evaluated: 2025-06-10. Review status: criteria provided, single submitter. Criteria: Invitae Variant Classification Sherloc (09022015). Collection method: clinical testing. Allele origin: germline.
Comment: This sequence change replaces arginine, which is basic and polar, with cysteine, which is neutral and slightly polar, at codon 1165 of the MYH9 protein (p.Arg1165Cys). This variant is not present in population databases (gnomAD no frequency). This missense change has been observed in individuals with MYH9-related disorders (PMID: 10973259, 17655694, 26056797). It has also been observed to segregate with disease in related individuals. ClinVar contains an entry for this variant (Variation ID: 14074). Invitae Evidence Modeling of protein sequence and biophysical properties (such as structural, functional, and spatial information, amino acid conservation, physicochemical variation, residue mobility, and thermodynamic stability) has been performed for this missense variant. However, the output from this modeling did not meet the statistical confidence thresholds required to predict the impact of this variant on MYH9 protein function. Experimental studies have shown that this missense change affects MYH9 function (PMID: 15339844, 16162639, 30916803). For these reasons, this variant has been classified as Pathogenic.

ARUP Laboratories, Molecular Genetics and Genomics, ARUP Laboratories
Classification: Pathogenic. Last evaluated: 2025-01-29. Review status: criteria provided, single submitter. Criteria: ARUP Molecular Germline Variant Investigation Process 2024. Collection method: clinical testing. Allele origin: germline.
Comment: The MYH9 c c.3493C>T; p.Arg1165Cys variant (rs80338829, ClinVar Variation ID: 14074) is reported in the literature in multiple individuals affected with MYH9-RD (selected references: Seri 2000, Dong 2005, Yilmaz Keskin 2021). Variants effecting codon arginine 1165, including and p.Arg1165Cys and p.Arg1165Leu, are associated with higher risk for hearing loss but reduced risk for nephropathy and cataract compared to other MYH9-RD-associated variants (Pecci 2014). The p.Arg1165Cys variant is absent from the Genome Aggregation Database (v2.1.1), indicating it is not a common polymorphism. Computational analyses predict that this variant is deleterious (REVEL: 0.921) and in vitro data indicate this variant disrupts myosin assembly (Franke 2005). Based on available information, this variant is considered to be pathogenic. References: Dong F et al. Genotype-phenotype correlation in MYH9-related thrombocytopenia. Br J Haematol. 2005 Aug;130(4):620-7. PMID: 16098078. Franke JD et al. Rod mutations associated with MYH9-related disorders disrupt nonmuscle myosin-IIA assembly. Blood. 2005 Jan 1;105(1):161-9. PMID: 15339844. Pecci A et al. MYH9-related disease: a novel prognostic model to predict the clinical evolution of the disease based on genotype-phenotype correlations. Hum Mutat. 2014 Feb;35(2):236-47. PMID: 24186861 Seri M et al. Mutations in MYH9 result in the May-Hegglin anomaly, and Fechtner and Sebastian syndromes. The May-Heggllin/Fechtner Syndrome Consortium. Nat Genet. 2000 Sep;26(1):103-5. PMID: 10973259. Yilmaz Keskin E et al. MYH9-related Disease Caused by an R1165C Mutation in a Child With Previous Diagnosis of Immune Thrombocytopenic Purpura. J Pediatr Hematol Oncol. 2021 Nov 1;43(8):e1265-e1266. PMID: 34310475. Savoia A and Pecci A. MYH9-Related Disease. GeneReviews. 2021. PMID: 20301740

Ambry Genetics
Classification: Pathogenic for Inborn genetic diseases. Last evaluated: 2025-01-22. Review status: criteria provided, single submitter. Criteria: Ambry Variant Classification Scheme 2023. Collection method: clinical testing. Allele origin: germline.
Comment: The c.3493C>T (p.R1165C) alteration is located in exon 27 (coding exon 26) of the MYH9 gene. This alteration results from a C to T substitution at nucleotide position 3493, causing the arginine (R) at amino acid position 1165 to be replaced by a cysteine (C). This variant was not reported in population-based cohorts in the Genome Aggregation Database (gnomAD). This variant has been reported in multiple individuals with features consistent with MYH9-related disease; in at least one individual, it was determined to be de novo (Sakamoto, 2024; Zhang, 2021; Economou, 2012; Andersson, 2020; Seri, 2000; Keskin, 2021; Savoia, 2010; Okano, 2015; Cenni, 2021; Pujol-Moix, 2004). Additionally, this variant has been shown to segregate with disease in multiple families. Another variant at the same codon, c.3494G>T (p.R1165L) has been identified in individuals with features consistent with MYH9-related disease (Savoia, 2010; Mekchay, 2020). This amino acid position is highly conserved in available vertebrate species. This alteration is predicted to be deleterious by in silico analysis. Based on the available evidence, this alteration is classified as pathogenic.

Mayo Clinic Laboratories, Mayo Clinic
Classification: Pathogenic. Last evaluated: 2024-12-18. Review status: criteria provided, single submitter. Criteria: ACMG Guidelines, 2015. Collection method: clinical testing. Allele origin: germline. Observed: 3 variant alleles.
Comment: PP1_strong, PP2, PP3, PP5, PM2_supporting, PS3, PS4_moderate

Women's Health and Genetics/Laboratory Corporation of America, LabCorp
Classification: Pathogenic for Macrothrombocytopenia and granulocyte inclusions with or without nephritis or sensorineural hearing loss. Last evaluated: 2024-12-03. Review status: criteria provided, single submitter. Criteria: LabCorp Variant Classification Summary - May 2015. Collection method: clinical testing. Allele origin: germline.
Comment: Variant summary: MYH9 c.3493C>T (p.Arg1165Cys) results in a non-conservative amino acid change in the encoded protein sequence. Five of five in-silico tools predict a damaging effect of the variant on protein function. The variant was absent in 251454 control chromosomes. c.3493C>T has been reported in the literature in multiple individuals affected with Macrothrombocytopenia And Granulocyte Inclusions With Or Without Nephritis Or Sensorineural Hearing Loss. These data indicate that the variant is very likely to be associated with disease. To our knowledge, no experimental evidence demonstrating an impact on protein function has been reported. The following publication have been ascertained in the context of this evaluation (PMID: 18059020). ClinVar contains an entry for this variant (Variation ID: 14074). Based on the evidence outlined above, the variant was classified as pathogenic.

Fulgent Genetics
Classification: Pathogenic for Macrothrombocytopenia and granulocyte inclusions with or without nephritis or sensorineural hearing loss; Autosomal dominant nonsyndromic hearing loss 17. Last evaluated: 2024-05-31. Review status: criteria provided, single submitter. Criteria: ACMG Guidelines, 2015. Collection method: clinical testing. Allele origin: germline.

Blueprint Genetics
Classification: Pathogenic for MYH9-related disorders. Last evaluated: 2024-05-30. Review status: criteria provided, single submitter. Criteria: ACMG Guidelines, 2015. Collection method: clinical testing. Allele origin: germline. Affected: yes. Observed: 5 variant alleles.